The following is an entry in ClinVar:

NM_138694.4(PKHD1):c.*2064G>T

Gene: PKHD1 (PKHD1 ciliary IPT domain containing fibrocystin/polyductin; minus strand). Cytogenetic location: 6p12.3.
Variant type: single nucleotide variant.
Coding change: c.*2064G>T on transcript NM_138694.4 (MANE Select); 2064 bases downstream of the stop codon, G replaced by T.
Molecular consequence: 3 prime UTR variant.
Genome position (GRCh38, 1-based): chr6:51,617,017, C>A on the plus strand (G>T on the coding strand, the complement: PKHD1 is on the minus strand). VCF-style: chr6-51617017-C-A. GRCh37 (hg19) VCF-style: chr6-51481815-C-A.
Identifiers: ClinVar variation 911902 (VCV000911902.4), dbSNP rs141074474, ClinGen allele CA138871302.

ClinVar aggregate classification (germline): Likely benign (1 of 4 stars; one submission).

Conditions:
Autosomal recessive polycystic kidney disease (ARPKD). Also called: AR polycystic kidney disease. Identifiers: Orphanet 731, Orphanet 8378, MedGen C0085548, MeSH D017044, MONDO:0009889.

Allele frequency attached by ClinVar (database versions not stated): gnomAD exomes 0.00086; TOPMed 0.00560; 1000 Genomes Project 0.00619; 1000 Genomes Project 30x 0.00671.
gnomAD v4.1: 811 of 244,772 alleles (0.33%); highest among the groups gnomAD compares: African/African-American, 1.7%; 6 homozygotes.

Submission:

Illumina Laboratory Services, Illumina
Classification: Likely benign for Polycystic kidney disease 4. Last evaluated: 2018-01-13. Review status: criteria provided, single submitter. Criteria: ICSL Variant Classification Criteria 13 December 2019. Collection method: clinical testing. Allele origin: germline.
Comment: This variant was observed in the ICSL laboratory as part of a predisposition screen in an ostensibly healthy population. It had not been previously curated by ICSL or reported in the Human Gene Mutation Database (HGMD: prior to June 1st, 2018), and was therefore a candidate for classification through an automated scoring system. Utilizing variant allele frequency, disease prevalence and penetrance estimates, and inheritance mode, an automated score was calculated to assess if this variant is too frequent to cause the disease. Based on the score and internal cut-off values, a variant classified as likely benign is not then subjected to further curation. The score for this variant resulted in a classification of likely benign for this disease.